The following is an entry in ClinVar:

NM_015512.5(DNAH1):c.1601C>T (p.Ser534Phe)

Gene: DNAH1 (dynein axonemal heavy chain 1; plus strand). Cytogenetic location: 3p21.1.
Variant type: single nucleotide variant.
Coding change: c.1601C>T on transcript NM_015512.5 (MANE Select); coding-DNA position 1601, C replaced by T.
Protein change: p.Ser534Phe; replaces serine 534 with phenylalanine.
Molecular consequence: missense variant.
Genome position (GRCh38, 1-based): chr3:52,345,651, C>T. VCF-style: chr3-52345651-C-T. GRCh37 (hg19) VCF-style: chr3-52379667-C-T.
Other names: short protein forms S534F.
Identifiers: ClinVar variation 1946140 (VCV001946140.5), dbSNP rs2471169085, ClinGen allele CA353091201.
Genomic context (GRCh38, chr3:52,345,651, plus strand): 5'-GCAAGGTGAGGGCCGAGTGCAACAAGGTGACCGCCATGTCCCTGTTCCACTCGAGCCTCT[C>T]CAAGTACAGCCACCTGGAGGAATTTGAGCAGATCCAGTCACAGACCTTCTCCCAGGTTTG-3'
Protein context (NP_056327.4, residues 524-544): TAMSLFHSSL[Ser534Phe]KYSHLEEFEQ

ClinVar aggregate classification (germline): Uncertain significance (1 of 4 stars; one submission).

Conditions:
Spermatogenic failure 18. Identifiers: MedGen C4539783, MONDO:0054615, OMIM 617576.
Ciliary dyskinesia, primary, 37 (CILD37). Also called: CILIARY DYSKINESIA, PRIMARY, 37, WITH OR WITHOUT SITUS INVERSUS. Identifiers: MedGen C4539798, MONDO:0033204, OMIM 617577.

Submission:

Labcorp Genetics (formerly Invitae), Labcorp
Classification: Uncertain significance for Ciliary dyskinesia, primary, 37; Spermatogenic failure 18. Last evaluated: 2022-10-17. Review status: criteria provided, single submitter. Criteria: Invitae Variant Classification Sherloc (09022015). Collection method: clinical testing. Allele origin: germline.
Comment: This variant is not present in population databases (gnomAD no frequency). In summary, the available evidence is currently insufficient to determine the role of this variant in disease. Therefore, it has been classified as a Variant of Uncertain Significance. Advanced modeling of protein sequence and biophysical properties (such as structural, functional, and spatial information, amino acid conservation, physicochemical variation, residue mobility, and thermodynamic stability) performed at Invitae indicates that this missense variant is not expected to disrupt DNAH1 protein function. This variant has not been reported in the literature in individuals affected with DNAH1-related conditions. This sequence change replaces serine, which is neutral and polar, with phenylalanine, which is neutral and non-polar, at codon 534 of the DNAH1 protein (p.Ser534Phe).